The following is an entry in ClinVar:

NM_001065.4(TNFRSF1A):c.382A>G (p.Arg128Gly)

Gene: TNFRSF1A (TNF receptor superfamily member 1A; minus strand). Cytogenetic location: 12p13.31.
Variant type: single nucleotide variant.
Coding change: c.382A>G on transcript NM_001065.4 (MANE Select); coding-DNA position 382, A replaced by G.
Protein change: p.Arg128Gly; replaces arginine 128 with glycine.
Molecular consequence: missense variant. On other transcripts: 5 prime UTR variant (1), non-coding transcript variant (1).
Genome position (GRCh38, 1-based): chr12:6,333,457, T>C on the plus strand (A>G on the coding strand, the complement: TNFRSF1A is on the minus strand). VCF-style: chr12-6333457-T-C. GRCh37 (hg19) VCF-style: chr12-6442623-T-C.
Other names: c.58A>G, p.Arg20Gly (NM_001346091.2); c.-196A>G (NM_001346092.2); short protein forms R128G, R20G.
Identifiers: ClinVar variation 649500 (VCV000649500.12), dbSNP rs1592047526, ClinGen allele CA383550153.

ClinVar aggregate classification (germline): Uncertain significance. Review status: criteria provided, multiple submitters, no conflicts (2 of 4 stars). 3 submissions from 3 submitters: Uncertain significance (3). Last evaluated 2025-05-30.

Conditions:
TNF receptor-associated periodic fever syndrome (TRAPS) (FPF). Also called: FAMILIAL HIBERNIAN FEVER; Autosomal Dominant Familial Periodic Fever; TNF Receptor-Associated Periodic Fever Syndrome; TNF receptor 1-associated periodic fever syndrome; TNF RECEPTOR-ASSOCIATED PERIODIC SYNDROME; TUMOR NECROSIS FACTOR RECEPTOR-ASSOCIATED PERIODIC SYNDROME. Identifiers: Orphanet 32960, MedGen C1275126, MONDO:0007727, OMIM 142680.

Allele frequency attached by ClinVar (database versions not stated): TOPMed below 0.00001; gnomAD 0.00001.
gnomAD v4.1: 3 of 1,614,042 alleles (0.00019%); highest among the groups gnomAD compares: East Asian, 0.0022%; no homozygotes.

Submissions (3):

Women's Health and Genetics/Laboratory Corporation of America, LabCorp
Classification: Uncertain significance. Last evaluated: 2025-05-30. Review status: criteria provided, single submitter. Criteria: LabCorp Variant Classification Summary - May 2015. Collection method: clinical testing. Allele origin: germline.
Comment: Variant summary: TNFRSF1A c.382A>G (p.Arg128Gly) results in a non-conservative amino acid change in the encoded protein sequence. Algorithms developed to predict the effect of missense changes on protein structure and function are either unavailable or do not agree on the potential impact of this missense change. The variant was absent in 251282 control chromosomes. The available data on variant occurrences in the general population are insufficient to allow any conclusion about variant significance. To our knowledge, no occurrence of c.382A>G in individuals affected with TNF receptor-associated periodic fever syndrome (TRAPS) and no experimental evidence demonstrating its impact on protein function have been reported. ClinVar contains an entry for this variant (Variation ID: 649500). Based on the evidence outlined above, the variant was classified as uncertain significance.

ARUP Laboratories, Molecular Genetics and Genomics, ARUP Laboratories
Classification: Uncertain significance. Last evaluated: 2024-08-19. Review status: criteria provided, single submitter. Criteria: ARUP Molecular Germline Variant Investigation Process 2024. Collection method: clinical testing. Allele origin: germline.
Comment: The TNFRSF1A c.382A>G; p.Arg128Gly variant (rs1592047526), to our knowledge, is not reported in the medical literature but is reported in ClinVar (Variation ID: 649500). This variant is absent from the Genome Aggregation Database (v2.1.1), indicating it is not a common polymorphism. Computational analyses are uncertain whether this variant is neutral or deleterious (REVEL: 0.401). Due to limited information, the clinical significance of this variant is uncertain at this time.

Labcorp Genetics (formerly Invitae), Labcorp
Classification: Uncertain significance for TNF receptor-associated periodic fever syndrome (TRAPS). Last evaluated: 2023-04-26. Review status: criteria provided, single submitter. Criteria: Invitae Variant Classification Sherloc (09022015). Collection method: clinical testing. Allele origin: germline.
Comment: ClinVar contains an entry for this variant (Variation ID: 649500). In summary, the available evidence is currently insufficient to determine the role of this variant in disease. Therefore, it has been classified as a Variant of Uncertain Significance. Algorithms developed to predict the effect of missense changes on protein structure and function output the following: SIFT: "Not Available"; PolyPhen-2: "Benign"; Align-GVGD: "Not Available". The glycine amino acid residue is found in multiple mammalian species, which suggests that this missense change does not adversely affect protein function. This variant has not been reported in the literature in individuals affected with TNFRSF1A-related conditions. This variant is not present in population databases (gnomAD no frequency). This sequence change replaces arginine, which is basic and polar, with glycine, which is neutral and non-polar, at codon 128 of the TNFRSF1A protein (p.Arg128Gly).